The following is an entry in ClinVar:

ClinVar aggregate classification (germline): Uncertain significance. Review status: criteria provided, multiple submitters, no conflicts (2 of 4 stars). 2 submissions from 2 submitters: Uncertain significance (2). Last evaluated 2025-02-10.

Conditions:
Arrhythmogenic right ventricular cardiomyopathy (ARVD). Also called: Arrhythmogenic right ventricular dysplasia; Cardiomyopathy, ARVC; Arrhythmogenic cardiomyopathy; Arrhythmogenic Right Ventricular Cardiomyopathy (ARVC). Identifiers: Orphanet 247, MedGen C0349788, MeSH D019571, MONDO:0016587. Disease mechanism: loss of function. Inheritance: Various modes of inheritance.
Cardiovascular phenotype. Identifiers: MedGen CN230736.

Submissions (2):

Ambry Genetics
Classification: Uncertain significance for Cardiovascular phenotype. Last evaluated: 2025-02-10. Review status: criteria provided, single submitter. Criteria: Ambry Variant Classification Scheme 2023. Collection method: clinical testing. Allele origin: germline.

All of Us Research Program, National Institutes of Health
Classification: Uncertain significance for Arrhythmogenic right ventricular cardiomyopathy. Last evaluated: 2023-06-08. Review status: criteria provided, single submitter. Criteria: ACMG Guidelines, 2015. Collection method: clinical testing. Allele origin: germline. Inheritance: Autosomal dominant inheritance. Observed: 1 variant allele, 1 heterozygote.
Comment: This missense variant replaces asparagine with tyrosine at codon 155 of the DSG2 protein. Computational prediction suggests that this variant may not impact protein structure and function (internally defined REVEL score threshold <= 0.5, PMID: 27666373). To our knowledge, functional studies have not been reported for this variant. This variant has not been reported in individuals affected with DSG2-related disorders in the literature. This variant has not been identified in the general population by the Genome Aggregation Database (gnomAD). The available evidence is insufficient to determine the role of this variant in disease conclusively. Therefore, this variant is classified as a Variant of Uncertain Significance.

This study involves interpretation of variants in research participants for the purpose of population health screening. Participant phenotype was not available at the time of variant classification. Additional details can be found in publication PMID: 35346344, PMCID: PMC8962531

NM_001943.5(DSG2):c.463A>T (p.Asn155Tyr)

Gene: DSG2 (desmoglein 2; plus strand). Cytogenetic location: 18q12.1.
Variant type: single nucleotide variant.
Coding change: c.463A>T on transcript NM_001943.5 (MANE Select); coding-DNA position 463, A replaced by T.
Protein change: p.Asn155Tyr; replaces asparagine 155 with tyrosine.
Molecular consequence: missense variant.
Genome position (GRCh38, 1-based): chr18:31,521,183, A>T. VCF-style: chr18-31521183-A-T. GRCh37 (hg19) VCF-style: chr18-29101146-A-T.
Other names: short protein forms N155Y.
Identifiers: ClinVar variation 3071601 (VCV003071601.2), dbSNP rs764577709, ClinGen allele CA402132210.